The following is an entry in ClinVar:

NM_003055.3(SLC18A3):c.1451T>C (p.Val484Ala)

Genes: CHAT (choline O-acetyltransferase; plus strand), SLC18A3 (solute carrier family 18 member A3; plus strand). Cytogenetic location: 10q11.23.
Variant type: single nucleotide variant.
Coding change: c.1451T>C on transcript NM_003055.3 (MANE Select); coding-DNA position 1451, T replaced by C.
Protein change: p.Val484Ala; replaces valine 484 with alanine.
Molecular consequence: missense variant. On other transcripts: intron variant (1).
Genome position (GRCh38, 1-based): chr10:49,612,191, T>C. VCF-style: chr10-49612191-T-C. GRCh37 (hg19) VCF-style: chr10-50820237-T-C.
Other names: c.-69+2992T>C (NM_020984.4); short protein forms V484A.
Identifiers: ClinVar variation 1435212 (VCV001435212.6), dbSNP rs142761243, ClinGen allele CA5496967.

ClinVar aggregate classification (germline): Uncertain significance. Review status: criteria provided, multiple submitters, no conflicts (2 of 4 stars). 3 submissions from 3 submitters: Uncertain significance (3). Last evaluated 2022-05-16.

Conditions:
Inborn genetic diseases. Identifiers: MedGen C0950123, MeSH D030342.

Allele frequency attached by ClinVar (database versions not stated): gnomAD exomes 0.00001 and 0.00003; ESP Exome Variant Server 0.00008; gnomAD 0.00015 and 0.00016; 1000 Genomes Project 0.00020; ExAC 0.00006; 1000 Genomes Project 30x 0.00016.
gnomAD v4.1: 33 of 1,609,504 alleles (0.0021%); highest among the groups gnomAD compares: African/African-American, 0.031%; no homozygotes.

Submissions (3):

Labcorp Genetics (formerly Invitae), Labcorp
Classification: Uncertain significance. Last evaluated: 2022-05-16. Review status: criteria provided, single submitter. Criteria: Invitae Variant Classification Sherloc (09022015). Collection method: clinical testing. Allele origin: germline.
Comment: This sequence change replaces valine, which is neutral and non-polar, with alanine, which is neutral and non-polar, at codon 484 of the SLC18A3 protein (p.Val484Ala). This variant is present in population databases (rs142761243, gnomAD 0.03%). This variant has not been reported in the literature in individuals affected with SLC18A3-related conditions. Algorithms developed to predict the effect of missense changes on protein structure and function are either unavailable or do not agree on the potential impact of this missense change (SIFT: "Deleterious"; PolyPhen-2: "Benign"; Align-GVGD: "Class C25"). In summary, the available evidence is currently insufficient to determine the role of this variant in disease. Therefore, it has been classified as a Variant of Uncertain Significance.

Ambry Genetics
Classification: Uncertain significance for Inborn genetic diseases. Last evaluated: 2021-07-09. Review status: criteria provided, single submitter. Criteria: Ambry Variant Classification Scheme 2023. Collection method: clinical testing. Allele origin: germline.

Breakthrough Genomics
Classification: Uncertain significance. Review status: criteria provided, single submitter. Criteria: ACMG Guidelines, 2015. Collection method: not provided. Allele origin: germline. Inheritance: Autosomal recessive inheritance. Affected: yes.